The following is an entry in ClinVar:

NM_003482.4(KMT2D):c.12634C>T (p.Arg4212Trp)

Gene: KMT2D (lysine methyltransferase 2D; minus strand). Cytogenetic location: 12q13.12.
Variant type: single nucleotide variant.
Coding change: c.12634C>T on transcript NM_003482.4 (MANE Select); coding-DNA position 12634, C replaced by T.
Protein change: p.Arg4212Trp; replaces arginine 4212 with tryptophan.
Molecular consequence: missense variant.
Genome position (GRCh38, 1-based): chr12:49,032,071, G>A on the plus strand (C>T on the coding strand, the complement: KMT2D is on the minus strand). VCF-style: chr12-49032071-G-A. GRCh37 (hg19) VCF-style: chr12-49425854-G-A.
Other names: short protein forms R4212W.
Identifiers: ClinVar variation 445387 (VCV000445387.40), dbSNP rs760279999, ClinGen allele CA6546171.

ClinVar aggregate classification (germline): Conflicting classifications of pathogenicity. Review status: criteria provided, conflicting classifications (1 of 4 stars). 6 submissions from 6 submitters: Uncertain significance (2); Likely benign (4). Last evaluated 2025-09-08.

Conditions:
KMT2D-related disorder. Also called: KMT2D-Related Disorders.
Kabuki syndrome. Also called: NIIKAWA-KUROKI SYNDROME; Kabuki make-up syndrome. Identifiers: Orphanet 2322, MedGen C0796004, MONDO:0016512.
Kabuki syndrome 1 (KABUK1). Also called: KMT2D-Related Kabuki Syndrome. Identifiers: Orphanet 2322, MedGen CN030661, MONDO:0007843, OMIM 147920.

Allele frequency attached by ClinVar (database versions not stated): gnomAD 0.00001; TOPMed 0.00003; gnomAD exomes 0.00006 and 0.00007; ExAC 0.00009.
gnomAD v4.1: 111 of 1,613,708 alleles (0.0069%); highest among the groups gnomAD compares: Non-Finnish European, 0.0086%; no homozygotes.

Submissions (6):

PreventionGenetics, part of Exact Sciences
Classification: Uncertain significance for KMT2D-related condition. Last evaluated: 2025-09-08. Review status: criteria provided, single submitter. Criteria: ACMG Guidelines, 2015. Collection method: clinical testing. Allele origin: germline.
Comment: The KMT2D c.12634C>T variant is predicted to result in the amino acid substitution p.Arg4212Trp. To our knowledge, this variant has not been reported in the literature. This variant is reported in 0.010% of alleles in individuals of European (Non-Finnish) descent in gnomAD. Although we suspect that this variant may be benign, at this time, the clinical significance of this variant is uncertain due to the absence of conclusive functional and genetic evidence.

Labcorp Genetics (formerly Invitae), Labcorp
Classification: Likely benign for Kabuki syndrome. Last evaluated: 2025-07-07. Review status: criteria provided, single submitter. Criteria: Invitae Variant Classification Sherloc (09022015). Collection method: clinical testing. Allele origin: germline.

Blueprint Genetics
Classification: Likely benign. Last evaluated: 2024-09-03. Review status: criteria provided, single submitter. Criteria: ACMG Guidelines, 2015. Collection method: clinical testing. Allele origin: germline.

CeGaT Center for Human Genetics Tuebingen
Classification: Likely benign. Last evaluated: 2023-11-01. Review status: criteria provided, single submitter. Criteria: CeGaT Center For Human Genetics Tuebingen Variant Classification Criteria Version 2. Collection method: clinical testing. Allele origin: germline. Affected: yes. Observed: 3 variant alleles.
Comment: KMT2D: BS2

Center for Pediatric Genomic Medicine, Children's Mercy Hospital and Clinics
Classification: Uncertain significance. Last evaluated: 2017-09-19. Review status: criteria provided, single submitter. Criteria: ACMG Guidelines, 2015. Collection method: clinical testing. Allele origin: germline.

Center for Human Genetics, Inc
Classification: Likely benign for Kabuki syndrome 1. Last evaluated: 2016-11-01. Review status: criteria provided, single submitter. Criteria: ACMG Guidelines, 2015. Collection method: clinical testing. Allele origin: germline. Affected: yes.